The following is an entry in ClinVar:

ClinVar aggregate classification (germline): Likely benign. Review status: criteria provided, multiple submitters, no conflicts (2 of 4 stars). 5 submissions from 5 submitters: Likely benign (4). 1 of the submissions does not count toward it. Last evaluated 2026-03-24.

Conditions:
Wolman disease (WOLD). Also called: Acid cholesteryl ester hydrolase deficiency, Wolman type; Acid lipase disease; Wolman disease, CESD; Infantile-Onset LAL-D (Wolman Disease); LYSOSOMAL ACID LIPASE DEFICIENCY, ACUTE INFANTILE; LYSOSOMAL ACID LIPASE DEFICIENCY, COMPLETE. Identifiers: Orphanet 75233, MedGen C0043208, MONDO:0019148, OMIM 620151.
Lysosomal acid lipase deficiency. Also called: Acid cholesteryl ester hydrolase deficiency, type 2. Identifiers: Orphanet 275761, MedGen C5574740, MONDO:0800449, MONDO:0010204.
LIPA-related disorder. Also called: LIPA-related condition; LIPA-related disorders.
Cardiovascular phenotype. Identifiers: MedGen CN230736.

Allele frequency attached by ClinVar (database versions not stated): TOPMed 0.00001; gnomAD exomes 0.00002; gnomAD 0.00003; ExAC 0.00004.
gnomAD v4.1: 30 of 1,613,876 alleles (0.0019%); highest among the groups gnomAD compares: South Asian, 0.0044%; no homozygotes.

Submissions (5):

GENinCode PLC
Classification: Likely benign for Lysosomal acid lipase deficiency. Last evaluated: 2026-03-24. Review status: criteria provided, single submitter. Criteria: ACMG Guidelines, 2015. Collection method: clinical testing. Allele origin: germline.
Comment: This is a synonymous (silent) variant that is not predicted to impact splicing and occurs at a nucleotide which is not highly conserved. This variant has been classified as Likely Benign (BP4, BP7).

Labcorp Genetics (formerly Invitae), Labcorp
Classification: Likely benign for Wolman disease. Last evaluated: 2025-08-07. Review status: criteria provided, single submitter. Criteria: Invitae Variant Classification Sherloc (09022015). Collection method: clinical testing. Allele origin: germline.

CeGaT Center for Human Genetics Tuebingen
Classification: Likely benign. Last evaluated: 2025-04-01. Review status: criteria provided, single submitter. Criteria: CeGaT Center For Human Genetics Tuebingen Variant Classification Criteria Version 2. Collection method: clinical testing. Allele origin: germline. Affected: yes. Observed: 1 variant allele.
Comment: LIPA: BP4, BP7

Ambry Genetics
Classification: Likely benign for Cardiovascular phenotype. Last evaluated: 2020-08-12. Review status: criteria provided, single submitter. Criteria: Ambry Variant Classification Scheme 2023. Collection method: clinical testing. Allele origin: germline.

PreventionGenetics, part of Exact Sciences
Classification: Likely benign for LIPA-related condition. Last evaluated: 2023-09-14. Review status: no assertion criteria provided. Collection method: clinical testing. Allele origin: germline. Not counted in ClinVar's aggregate classification.
Comment: This variant is classified as likely benign based on ACMG/AMP sequence variant interpretation guidelines (Richards et al. 2015 PMID: 25741868, with internal and published modifications).

NM_000235.4(LIPA):c.1110G>A (p.Pro370=)

Gene: LIPA (lipase A, lysosomal acid type; minus strand). Cytogenetic location: 10q23.31.
Variant type: single nucleotide variant.
Coding change: c.1110G>A on transcript NM_000235.4 (MANE Select); coding-DNA position 1110, G replaced by A.
Protein change: p.Pro370=; no amino-acid change (proline 370 retained).
Molecular consequence: synonymous variant.
Genome position (GRCh38, 1-based): chr10:89,214,918, C>T on the plus strand (G>A on the coding strand, the complement: LIPA is on the minus strand). VCF-style: chr10-89214918-C-T. GRCh37 (hg19) VCF-style: chr10-90974675-C-T.
Other names: c.1110G>A, p.Pro370= (NM_001127605.3); c.762G>A, p.Pro254= (NM_001288979.2); c.1110G>A (NM_000235.3).
Identifiers: ClinVar variation 1091073 (VCV001091073.19), dbSNP rs1381270290, ClinGen allele CA5593505.